The following is an entry in ClinVar:

ClinVar aggregate classification (germline): Uncertain significance. Review status: criteria provided, multiple submitters, no conflicts (2 of 4 stars). 2 submissions from 2 submitters: Uncertain significance (2). Last evaluated 2023-10-29.

Conditions:
Hereditary cancer-predisposing syndrome. Also called: Neoplastic Syndromes, Hereditary; Tumor predisposition; Hereditary Cancer Syndrome; Hereditary neoplastic syndrome. Identifiers: Orphanet 140162, MedGen C0027672, MeSH D009386, MONDO:0015356.
BAP1-related tumor predisposition syndrome (TPDS1). Also called: Tumor susceptibility linked to germline BAP1 mutations; COMMON Syndrome; TUMOR PREDISPOSITION SYNDROME 1; BAP1 tumor predisposition syndrome. Identifiers: Orphanet 289539, MedGen C3280492, MONDO:0013692, OMIM 614327.

Allele frequency attached by ClinVar (database versions not stated): gnomAD exomes below 0.00001.
gnomAD v4.1: 1 of 1,613,910 alleles (0.000062%); highest among the groups gnomAD compares: Non-Finnish European, 0.000085%; no homozygotes.

Submissions (2):

Labcorp Genetics (formerly Invitae), Labcorp
Classification: Uncertain significance for BAP1-related tumor predisposition syndrome. Last evaluated: 2023-10-29. Review status: criteria provided, single submitter. Criteria: Invitae Variant Classification Sherloc (09022015). Collection method: clinical testing. Allele origin: germline.
Comment: This sequence change replaces proline, which is neutral and non-polar, with alanine, which is neutral and non-polar, at codon 110 of the BAP1 protein (p.Pro110Ala). This variant is not present in population databases (gnomAD no frequency). This variant has not been reported in the literature in individuals affected with BAP1-related conditions. ClinVar contains an entry for this variant (Variation ID: 1729826). Advanced modeling of protein sequence and biophysical properties (such as structural, functional, and spatial information, amino acid conservation, physicochemical variation, residue mobility, and thermodynamic stability) performed at Invitae indicates that this missense variant is not expected to disrupt BAP1 protein function with a negative predictive value of 80%. In summary, the available evidence is currently insufficient to determine the role of this variant in disease. Therefore, it has been classified as a Variant of Uncertain Significance.

Ambry Genetics
Classification: Uncertain significance for Hereditary cancer-predisposing syndrome. Last evaluated: 2021-12-06. Review status: criteria provided, single submitter. Criteria: Ambry Variant Classification Scheme 2023. Collection method: clinical testing. Allele origin: germline.
Comment: The p.P110A variant (also known as c.328C>G), located in coding exon 5 of the BAP1 gene, results from a C to G substitution at nucleotide position 328. The proline at codon 110 is replaced by alanine, an amino acid with highly similar properties. This amino acid position is not well conserved in available vertebrate species. In addition, this alteration is predicted to be tolerated by in silico analysis. Since supporting evidence is limited at this time, the clinical significance of this alteration remains unclear.

NM_004656.4(BAP1):c.328C>G (p.Pro110Ala)

Gene: BAP1 (BRCA1 associated deubiquitinase 1; minus strand). Cytogenetic location: 3p21.1.
Variant type: single nucleotide variant.
Coding change: c.328C>G on transcript NM_004656.4 (MANE Select); coding-DNA position 328, C replaced by G.
Protein change: p.Pro110Ala; replaces proline 110 with alanine.
Molecular consequence: missense variant.
Genome position (GRCh38, 1-based): chr3:52,408,005, G>C on the plus strand (C>G on the coding strand, the complement: BAP1 is on the minus strand). VCF-style: chr3-52408005-G-C. GRCh37 (hg19) VCF-style: chr3-52442021-G-C.
Other names: c.328C>G, p.Pro110Ala (NM_001410772.1); short protein forms P110A.
Identifiers: ClinVar variation 1729826 (VCV001729826.5), dbSNP rs2153228103, ClinGen allele CA353112114.